The following is an entry in ClinVar:

ClinVar aggregate classification (germline): Uncertain significance (1 of 4 stars; one submission).

gnomAD v4.1: 1 of 1,597,412 alleles (0.000063%); highest among the groups gnomAD compares: Non-Finnish European, 0.000085%; no homozygotes.

Submission:

Labcorp Genetics (formerly Invitae), Labcorp
Classification: Uncertain significance. Last evaluated: 2022-11-03. Review status: criteria provided, single submitter. Criteria: Invitae Variant Classification Sherloc (09022015). Collection method: clinical testing. Allele origin: germline.
Comment: In summary, the available evidence is currently insufficient to determine the role of this variant in disease. Therefore, it has been classified as a Variant of Uncertain Significance. Algorithms developed to predict the effect of sequence changes on RNA splicing suggest that this variant may disrupt the consensus splice site. This variant has not been reported in the literature in individuals affected with NTHL1-related conditions. This variant is not present in population databases (gnomAD no frequency). This sequence change falls in intron 1 of the NTHL1 gene. It does not directly change the encoded amino acid sequence of the NTHL1 protein.

NM_002528.7(NTHL1):c.116-20C>T

Gene: NTHL1 (nth like DNA glycosylase 1; minus strand). Cytogenetic location: 16p13.3.
Variant type: single nucleotide variant.
Coding change: c.116-20C>T on transcript NM_002528.7 (MANE Select); 20 bases into the intron before coding-DNA position 116, C replaced by T.
Molecular consequence: intron variant.
Genome position (GRCh38, 1-based): chr16:2,046,386, G>A on the plus strand (C>T on the coding strand, the complement: NTHL1 is on the minus strand). VCF-style: chr16-2046386-G-A. GRCh37 (hg19) VCF-style: chr16-2096387-G-A.
Other names: c.-63-20C>T (NM_001318194.2); c.116-20C>T (NM_001318193.2).
Identifiers: ClinVar variation 2916976 (VCV002916976.3), dbSNP rs2150948042, ClinGen allele CA2631109192.
Genomic context (GRCh38, chr16:2,046,386, plus strand): 5'-TTTCCGCGGACGCTTCACGGGGCTGTGGCTTTTCCTCGCTTCTGCAAAAAGCACCACGCA[G>A]TCCCTCTGGTGGGGCCACAGGTGAAGGTAGGGTAGGGGTGCCATCCCGCCTGCTAGCTCA-3'